The following is an entry in ClinVar:

NM_005732.4(RAD50):c.826G>T (p.Asp276Tyr)

Gene: RAD50 (RAD50 double strand break repair protein; plus strand). Cytogenetic location: 5q31.1.
Variant type: single nucleotide variant.
Coding change: c.826G>T on transcript NM_005732.4 (MANE Select); coding-DNA position 826, G replaced by T.
Protein change: p.Asp276Tyr; replaces aspartic acid 276 with tyrosine.
Molecular consequence: missense variant.
Genome position (GRCh38, 1-based): chr5:132,587,631, G>T. VCF-style: chr5-132587631-G-T. GRCh37 (hg19) VCF-style: chr5-131923323-G-T.
Other names: short protein forms D276Y.
Identifiers: ClinVar variation 4677770 (VCV004677770.1).

ClinVar aggregate classification (germline): Uncertain significance (1 of 4 stars; one submission).

Conditions:
Hereditary cancer-predisposing syndrome. Also called: Neoplastic Syndromes, Hereditary; Tumor predisposition; Hereditary Cancer Syndrome; Hereditary neoplastic syndrome. Identifiers: Orphanet 140162, MedGen C0027672, MeSH D009386, MONDO:0015356.

gnomAD v4.1: 1 of 1,613,816 alleles (0.000062%); highest among the groups gnomAD compares: Non-Finnish European, 0.000085%; no homozygotes.

Submission:

Ambry Genetics
Classification: Uncertain significance for Hereditary cancer-predisposing syndrome. Last evaluated: 2025-09-19. Review status: criteria provided, single submitter. Criteria: Ambry Variant Classification Scheme 2023. Collection method: clinical testing. Allele origin: germline.
Comment: The p.D276Y variant (also known as c.826G>T), located in coding exon 6 of the RAD50 gene, results from a G to T substitution at nucleotide position 826. The aspartic acid at codon 276 is replaced by tyrosine, an amino acid with highly dissimilar properties. This amino acid position is conserved. In addition, this alteration is predicted to be tolerated by in silico analysis. Based on the available evidence, the clinical significance of this variant remains unclear.